The following is an entry in ClinVar:

ClinVar aggregate classification (germline): Uncertain significance (1 of 4 stars; one submission).

Allele frequency attached by ClinVar (database versions not stated): gnomAD exomes below 0.00001.
gnomAD v4.1: 1 of 1,614,146 alleles (0.000062%); highest among the groups gnomAD compares: Non-Finnish European, 0.000085%; no homozygotes.

Submission:

Labcorp Genetics (formerly Invitae), Labcorp
Classification: Uncertain significance. Last evaluated: 2022-08-21. Review status: criteria provided, single submitter. Criteria: Invitae Variant Classification Sherloc (09022015). Collection method: clinical testing. Allele origin: germline.
Comment: In summary, the available evidence is currently insufficient to determine the role of this variant in disease. Therefore, it has been classified as a Variant of Uncertain Significance. Algorithms developed to predict the effect of missense changes on protein structure and function are either unavailable or do not agree on the potential impact of this missense change (SIFT: "Deleterious"; PolyPhen-2: "Benign"; Align-GVGD: "Class C0"). This variant has not been reported in the literature in individuals affected with ADAMTS10-related conditions. This variant is not present in population databases (gnomAD no frequency). This sequence change replaces alanine, which is neutral and non-polar, with threonine, which is neutral and polar, at codon 253 of the ADAMTS10 protein (p.Ala253Thr).

NM_030957.4(ADAMTS10):c.757G>A (p.Ala253Thr)

Gene: ADAMTS10 (ADAM metallopeptidase with thrombospondin type 1 motif 10; minus strand). Cytogenetic location: 19p13.2.
Variant type: single nucleotide variant.
Coding change: c.757G>A on transcript NM_030957.4 (MANE Select); coding-DNA position 757, G replaced by A.
Protein change: p.Ala253Thr; replaces alanine 253 with threonine.
Molecular consequence: missense variant.
Genome position (GRCh38, 1-based): chr19:8,600,981, C>T on the plus strand (G>A on the coding strand, the complement: ADAMTS10 is on the minus strand). VCF-style: chr19-8600981-C-T. GRCh37 (hg19) VCF-style: chr19-8665865-C-T.
Other names: short protein forms A253T.
Identifiers: ClinVar variation 2112092 (VCV002112092.4), dbSNP rs2512639451, ClinGen allele CA403756541.
Genomic context (GRCh38, chr19:8,600,981, plus strand): 5'-CACTTACAATGTTCATGATGGCCAGGACATACTGCTCCACATCCCGGCGCCCGTGATAGG[C>T]CACCATCATCTTGTCAGCCACCACCAGGGTCTCCACGTAGCGCTCTCGGCTGACCGATCG-3'
Protein context (NP_112219.3, residues 243-263): TLVVADKMMV[Ala253Thr]YHGRRDVEQY